The following is an entry in ClinVar:

NM_007078.3(LDB3):c.437T>C (p.Phe146Ser)

Gene: LDB3 (LIM domain binding 3; plus strand). Cytogenetic location: 10q23.2.
Variant type: single nucleotide variant.
Coding change: c.437T>C on transcript NM_007078.3 (MANE Select); coding-DNA position 437, T replaced by C.
Protein change: p.Phe146Ser; replaces phenylalanine 146 with serine.
Molecular consequence: missense variant. On other transcripts: intron variant (5).
Genome position (GRCh38, 1-based): chr10:86,681,551, T>C. VCF-style: chr10-86681551-T-C. GRCh37 (hg19) VCF-style: chr10-88441308-T-C.
Other names: c.437T>C, p.Phe146Ser (NM_001080115.2, NM_001171610.2, NM_001171611.2 and 3 more transcripts); c.321+1394T>C (NM_001368068.1, NM_001368066.1, NM_001080114.2 and 2 more transcripts); short protein forms F146S.
Identifiers: ClinVar variation 1654872 (VCV001654872.8), dbSNP rs1480923559, ClinGen allele CA377453597.

ClinVar aggregate classification (germline): Uncertain significance (1 of 4 stars; one submission).

Conditions:
Myofibrillar myopathy 4. Also called: Zaspopathy (type). Identifiers: Orphanet 98912, MedGen C4721886, MONDO:0012277, OMIM 609452.

Allele frequency attached by ClinVar (database versions not stated): gnomAD exomes below 0.00001; TOPMed below 0.00001; gnomAD 0.00001.
gnomAD v4.1: 5 of 1,612,592 alleles (0.00031%); highest among the groups gnomAD compares: Non-Finnish European, 0.00042%; no homozygotes.

Submission:

Labcorp Genetics (formerly Invitae), Labcorp
Classification: Uncertain significance for Myofibrillar myopathy 4. Last evaluated: 2023-05-23. Review status: criteria provided, single submitter. Criteria: Invitae Variant Classification Sherloc (09022015). Collection method: clinical testing. Allele origin: germline.
Comment: In summary, the available evidence is currently insufficient to determine the role of this variant in disease. Therefore, it has been classified as a Variant of Uncertain Significance. Algorithms developed to predict the effect of sequence changes on RNA splicing suggest that this variant is not likely to affect RNA splicing. This variant is not present in population databases (gnomAD no frequency). The LDB3 gene has multiple clinically relevant transcripts. This variant occurs in alternate transcript NM_007078.3, and corresponds to NM_001080116.1:c.321+1394T>C in the primary transcript. This sequence change replaces phenylalanine, which is neutral and non-polar, with serine, which is neutral and polar, at codon 146 of the LDB3 protein (p.Phe146Ser). This variant has not been reported in the literature in individuals affected with LDB3-related conditions. ClinVar contains an entry for this variant (Variation ID: 1654872). Experimental studies and prediction algorithms are not available or were not evaluated, and the functional significance of this variant is currently unknown.